The following is an entry in ClinVar:

ClinVar aggregate classification (germline): Pathogenic/Likely pathogenic. Review status: criteria provided, multiple submitters, no conflicts (2 of 4 stars). 5 submissions from 5 submitters: Pathogenic (2); Likely pathogenic (2). 1 of the submissions does not count toward it. Last evaluated 2024-12-16.

Conditions:
Cohen syndrome (COH1). Also called: Cutis verticis gyrata, retinitis pigmentosa, and sensorineural deafness; PEPPER SYNDROME. Identifiers: Orphanet 193, MedGen C0265223, MONDO:0008999, OMIM 216550.

Allele frequency attached by ClinVar (database versions not stated): gnomAD exomes below 0.00001 and 0.00001; TOPMed below 0.00001; ExAC 0.00001; gnomAD 0.00001; ESP Exome Variant Server 0.00008.
gnomAD v4.1: 8 of 1,614,002 alleles (0.0005%); highest among the groups gnomAD compares: Non-Finnish European, 0.00059%; no homozygotes.

Submissions (6):

Natera, Inc.
Classification: Likely pathogenic for Cohen syndrome. Last evaluated: 2024-12-16. Review status: criteria provided, single submitter. Criteria: Natera Variant Classification Schema (03/2026). Collection method: clinical testing. Allele origin: germline.
Comment: The c.11821-1G>A variant in VPS13B is a canonical splice acceptor site variant predicted to affect pre-mRNA splicing, which may result in an abnormal transcript and altered protein product. This variant is expected to result in nonsense mediated decay, truncation, or a dysfunctional protein product. This variant is rare in the general population with a frequency below the threshold expected for the associated phenotype(s). Given the available evidence, this variant is classified as Likely Pathogenic.

Labcorp Genetics (formerly Invitae), Labcorp
Classification: Pathogenic for Cohen syndrome. Last evaluated: 2024-10-23. Review status: criteria provided, single submitter. Criteria: Invitae Variant Classification Sherloc (09022015). Collection method: clinical testing. Allele origin: germline.
Comment: This sequence change affects an acceptor splice site in intron 61 of the VPS13B gene. While this variant is not anticipated to result in nonsense mediated decay, it likely alters RNA splicing and results in a disrupted protein product. This variant is present in population databases (rs372327659, gnomAD 0.002%). Disruption of this splice site has been observed in individual(s) with clinical features of Cohen syndrome (internal data). In at least one individual the data is consistent with being in trans (on the opposite chromosome) from a pathogenic variant. ClinVar contains an entry for this variant (Variation ID: 552760). Variants that disrupt the consensus splice site are a relatively common cause of aberrant splicing (PMID: 17576681, 9536098). Algorithms developed to predict the effect of sequence changes on RNA splicing suggest that this variant may disrupt the consensus splice site. For these reasons, this variant has been classified as Pathogenic.

Institute of Human Genetics, Clinical Exome/Genome Diagnostics Group, University Hospital Bonn
Classification: Likely pathogenic for Cohen syndrome. Last evaluated: 2023-05-26. Review status: criteria provided, single submitter. Criteria: ACMG Guidelines, 2015. Collection method: clinical testing. Allele origin: germline. Affected: yes.

Institute for Clinical Genetics, University Hospital TU Dresden, University Hospital TU Dresden
Classification: Pathogenic. Last evaluated: 2021-11-03. Review status: criteria provided, single submitter. Criteria: ACMG Guidelines, 2015. Collection method: clinical testing. Allele origin: germline.

Counsyl
Classification: Likely pathogenic for Cohen syndrome. Last evaluated: 2017-07-05. Review status: no assertion criteria provided. Collection method: clinical testing. Allele origin: unknown. Not counted in ClinVar's aggregate classification.

Dr. Peter K. Rogan Lab, Western University
No classification provided (evidence only). Condition: Melanoma. Review status: no classification provided. Collection method: in vitro. Allele origin: not applicable. Functional consequence: retained intron. Not counted in ClinVar's aggregate classification.

Literature cited by the submitters: PubMed 17576681 (cited by Labcorp Genetics (formerly Invitae), Labcorp); PubMed 9536098 (cited by Labcorp Genetics (formerly Invitae), Labcorp).

NM_152564.5(VPS13B):c.11746-1G>A

Gene: VPS13B (vacuolar protein sorting 13 homolog B; plus strand). Cytogenetic location: 8q22.2.
Variant type: single nucleotide variant.
Coding change: c.11746-1G>A on transcript NM_152564.5 (MANE Select); the canonical splice acceptor site of the intron before coding-DNA position 11746, G replaced by A.
Molecular consequence: splice acceptor variant.
Genome position (GRCh38, 1-based): chr8:99,875,417, G>A. VCF-style: chr8-99875417-G-A. GRCh37 (hg19) VCF-style: chr8-100887645-G-A.
Other names: c.11821-1G>A (NM_017890.5).
Identifiers: ClinVar variation 552760 (VCV000552760.13), dbSNP rs372327659, ClinGen allele CA4825336.